The following is an entry in ClinVar:

NM_001126108.2(SLC12A3):c.2510_2511del (p.Leu836_Phe837insTer)

Gene: SLC12A3 (solute carrier family 12 member 3; plus strand). Cytogenetic location: 16q13.
Variant type: Deletion.
Coding change: c.2510_2511del on transcript NM_001126108.2 (MANE Select); coding-DNA positions 2510 to 2511, 2 bases deleted (TT; older notation c.2510_2511delTT).
Protein change: p.Leu836_Phe837insTer.
Molecular consequence: nonsense.
Genome position (GRCh38, 1-based): chr16:56,893,043-56,893,044, TT deleted; deleting any 2 consecutive bases within chr16:56,893,042-56,893,044 gives the same sequence; the c. name uses the placement nearest the transcript's 3' end. VCF-style (leftmost placement, unchanged base first): chr16-56893041-CTT-C. GRCh37 (hg19) VCF-style: chr16-56926953-CTT-C.
Other names: c.2537_2538del, p.Leu845_Phe846insTer (NM_000339.3); c.2534_2535del, p.Leu844_Phe845insTer (NM_001126107.2).
Identifiers: ClinVar variation 945435 (VCV000945435.8), dbSNP rs2055411543, ClinGen allele CA1139664711.
Genomic context (GRCh38, chr16:56,893,041, plus strand): 5'-GCAGGCCACCACCATCTTCCAGTCGGAGCAGGGCAAGAAGACCATAGACATCTACTGGCT[CTT>C]TGACGATGGAGGTCAGTGACCCCCTTGGATCAGCCCTCCTGCCCGGCGGGGGCGGGGTGG-3'

ClinVar aggregate classification (germline): Pathogenic. Review status: criteria provided, single submitter (1 of 4 stars). 2 submissions from 2 submitters: Pathogenic (1). 1 of the submissions does not count toward it. Last evaluated 2021-11-06.

Conditions:
Familial hypokalemia-hypomagnesemia (GTLMNS). Also called: HYPOMAGNESEMIA-HYPOKALEMIA, PRIMARY RENOTUBULAR, WITH HYPOCALCIURIA; POTASSIUM AND MAGNESIUM DEPLETION; gitelman syndrome. Identifiers: Orphanet 358, MedGen C0268450, MONDO:0009904, OMIM 263800.

Submissions (2):

Labcorp Genetics (formerly Invitae), Labcorp
Classification: Pathogenic. Last evaluated: 2021-11-06. Review status: criteria provided, single submitter. Criteria: Invitae Variant Classification Sherloc (09022015). Collection method: clinical testing. Allele origin: germline.
Comment: This premature translational stop signal has been observed in individual(s) with Gitelman syndrome (PMID: 12008755, 30596175). In at least one individual the data is consistent with the variant being in trans (on the opposite chromosome) from a pathogenic variant. This sequence change creates a premature translational stop signal (p.Phe846*) in the SLC12A3 gene. It is expected to result in an absent or disrupted protein product. Loss-of-function variants in SLC12A3 are known to be pathogenic (PMID: 20848653, 22009145, 25841442). This variant is not present in population databases (gnomAD no frequency). ClinVar contains an entry for this variant (Variation ID: 945435). For these reasons, this variant has been classified as Pathogenic.

Natera, Inc.
Classification: Pathogenic for Gitelman syndrome. Last evaluated: 2020-01-26. Review status: no assertion criteria provided. Collection method: clinical testing. Allele origin: germline. Not counted in ClinVar's aggregate classification.

Literature cited by the submitters: PubMed 12008755 (cited by Labcorp Genetics (formerly Invitae), Labcorp); PubMed 30596175 (cited by Labcorp Genetics (formerly Invitae), Labcorp); PubMed 20848653 (cited by Labcorp Genetics (formerly Invitae), Labcorp); PubMed 22009145 (cited by Labcorp Genetics (formerly Invitae), Labcorp); PubMed 25841442 (cited by Labcorp Genetics (formerly Invitae), Labcorp).